The following is an entry in ClinVar:

ClinVar aggregate classification (germline): Uncertain significance. Review status: criteria provided, multiple submitters, no conflicts (2 of 4 stars). 2 submissions from 2 submitters: Uncertain significance (2). Last evaluated 2025-06-11.

Submissions (2):

Ambry Genetics
Classification: Uncertain significance. Last evaluated: 2025-06-11. Review status: criteria provided, single submitter. Criteria: Ambry Variant Classification Scheme 2023. Collection method: clinical testing. Allele origin: germline.

Labcorp Genetics (formerly Invitae), Labcorp
Classification: Uncertain significance. Last evaluated: 2025-06-09. Review status: criteria provided, single submitter. Criteria: Invitae Variant Classification Sherloc (09022015). Collection method: clinical testing. Allele origin: germline.
Comment: This sequence change replaces histidine, which is basic and polar, with glutamine, which is neutral and polar, at codon 692 of the C5 protein (p.His692Gln). This variant is not present in population databases (gnomAD no frequency). This variant has not been reported in the literature in individuals affected with C5-related conditions. ClinVar contains an entry for this variant (Variation ID: 2071372). Invitae Evidence Modeling of protein sequence and biophysical properties (such as structural, functional, and spatial information, amino acid conservation, physicochemical variation, residue mobility, and thermodynamic stability) indicates that this missense variant is not expected to disrupt C5 protein function with a negative predictive value of 80%. In summary, the available evidence is currently insufficient to determine the role of this variant in disease. Therefore, it has been classified as a Variant of Uncertain Significance.

NM_001735.3(C5):c.2076T>A (p.His692Gln)

Gene: C5 (complement C5; minus strand). Cytogenetic location: 9q33.2.
Variant type: single nucleotide variant.
Coding change: c.2076T>A on transcript NM_001735.3 (MANE Select); coding-DNA position 2076, T replaced by A.
Protein change: p.His692Gln; replaces histidine 692 with glutamine.
Molecular consequence: missense variant.
Genome position (GRCh38, 1-based): chr9:121,014,054, A>T on the plus strand (T>A on the coding strand, the complement: C5 is on the minus strand). VCF-style: chr9-121014054-A-T. GRCh37 (hg19) VCF-style: chr9-123776332-A-T.
Other names: c.2094T>A, p.His698Gln (NM_001317163.2); c.2076T>A, p.His692Gln (NM_001317164.2); short protein forms H698Q, H692Q.
Identifiers: ClinVar variation 2071372 (VCV002071372.5), dbSNP rs2540425812, ClinGen allele CA374744118.